The following is an entry in ClinVar:

ClinVar aggregate classification (germline): Pathogenic (1 of 4 stars; one submission).

Conditions:
Aortic valve disease 2 (AOVD2). Identifiers: MedGen C3542024, MONDO:0013902, OMIM 614823.

Submission:

Labcorp Genetics (formerly Invitae), Labcorp
Classification: Pathogenic for Aortic valve disease 2. Last evaluated: 2023-05-26. Review status: criteria provided, single submitter. Criteria: Invitae Variant Classification Sherloc (09022015). Collection method: clinical testing. Allele origin: germline.
Comment: This variant has not been reported in the literature in individuals affected with TBX5-related conditions. For these reasons, this variant has been classified as Pathogenic. This variant is not present in population databases (gnomAD no frequency). This sequence change creates a premature translational stop signal (p.Pro39Argfs*27) in the TBX5 gene. It is expected to result in an absent or disrupted protein product. Loss-of-function variants in TBX5 are known to be pathogenic (PMID: 16183809, 16917909).

Literature cited by the submitters: PubMed 16183809; PubMed 16917909.

NM_181486.4(TBX5):c.116del (p.Pro39fs)

Gene: TBX5 (T-box transcription factor 5; minus strand). Cytogenetic location: 12q24.21.
Variant type: Deletion.
Coding change: c.116del on transcript NM_181486.4 (MANE Select); coding-DNA position 116, one base deleted (C; older notation c.116delC).
Protein change: p.Pro39fs; shifts the reading frame from proline 39.
Molecular consequence: frameshift variant. On other transcripts: intron variant (1).
Genome position (GRCh38, 1-based): chr12:114,403,783, G deleted on the plus strand (C on the coding strand, the reverse complement: TBX5 is on the minus strand); the first of 4 consecutive G bases (chr12:114,403,783-114,403,786); deleting any one gives the same sequence. VCF-style (leftmost placement, unchanged base first): chr12-114403782-CG-C. GRCh37 (hg19) VCF-style: chr12-114841587-CG-C.
Other names: c.116del, p.Pro39fs (NM_000192.3); c.-3-1863del (NM_080717.4); short protein forms P39fs.
Identifiers: ClinVar variation 2730458 (VCV002730458.3), dbSNP rs1565943262, ClinGen allele CA919179546.